The following is an entry in ClinVar:

NM_017654.4(SAMD9):c.2165C>T (p.Ala722Val)

Gene: SAMD9 (sterile alpha motif domain containing 9; minus strand). Cytogenetic location: 7q21.2.
Variant type: single nucleotide variant.
Coding change: c.2165C>T on transcript NM_017654.4 (MANE Select); coding-DNA position 2165, C replaced by T.
Protein change: p.Ala722Val; replaces alanine 722 with valine.
Molecular consequence: missense variant.
Genome position (GRCh38, 1-based): chr7:93,103,933, G>A on the plus strand (C>T on the coding strand, the complement: SAMD9 is on the minus strand). VCF-style: chr7-93103933-G-A. GRCh37 (hg19) VCF-style: chr7-92733246-G-A.
Other names: c.2165C>T, p.Ala722Val (NM_001193307.2); short protein forms A722V.
Identifiers: ClinVar variation 4629803 (VCV004629803.1).

ClinVar aggregate classification (germline): Uncertain significance (1 of 4 stars; one submission).

Conditions:
Inborn genetic diseases. Identifiers: MedGen C0950123, MeSH D030342.

gnomAD v4.1: 1 of 1,613,542 alleles (0.000062%); highest among the groups gnomAD compares: East Asian, 0.0022%; no homozygotes.

Submission:

Ambry Genetics
Classification: Uncertain significance for Inborn genetic diseases. Last evaluated: 2025-09-16. Review status: criteria provided, single submitter. Criteria: Ambry Variant Classification Scheme 2023. Collection method: clinical testing. Allele origin: germline.
Comment: The p.A722V variant (also known as c.2165C>T), located in coding exon 1 of the SAMD9 gene, results from a C to T substitution at nucleotide position 2165. The alanine at codon 722 is replaced by valine, an amino acid with similar properties. This amino acid position is conserved. In addition, this alteration is predicted to be tolerated by in silico analysis. Based on the available evidence, the clinical significance of this variant remains unclear.